The following is an entry in ClinVar:

NM_000719.7(CACNA1C):c.13A>C (p.Asn5His)

Gene: CACNA1C (calcium voltage-gated channel subunit alpha1 C; plus strand). Cytogenetic location: 12p13.33.
Variant type: single nucleotide variant.
Coding change: c.13A>C on transcript NM_000719.7 (MANE Select); coding-DNA position 13, A replaced by C.
Protein change: p.Asn5His; replaces asparagine 5 with histidine.
Molecular consequence: missense variant.
Genome position (GRCh38, 1-based): chr12:2,053,575, A>C. VCF-style: chr12-2053575-A-C. GRCh37 (hg19) VCF-style: chr12-2162741-A-C.
Other names: c.13A>C, p.Asn5His (NM_001129827.2, NM_001129829.2, NM_001129830.3 and 19 more transcripts); short protein forms N5H.
Identifiers: ClinVar variation 1439077 (VCV001439077.11), dbSNP rs886049150, ClinGen allele CA10636979.
Genomic context (GRCh38, chr12:2,053,575, plus strand): 5'-TTTCTTCCTCTTCGTGGCTGCTCCTCCTATTAAAACCATTTTTGGTCCATGGTCAATGAG[A>C]ATACGAGGATGTACATTCCAGAGGAAAACCACCAAGGTAAGGCTGGACCCCGCCGCCTCG-3'
Protein context (NP_000710.5, residues 1-15): MVNE[Asn5His]TRMYIPEENH

ClinVar aggregate classification (germline): Uncertain significance. Review status: criteria provided, multiple submitters, no conflicts (2 of 4 stars). 4 submissions from 4 submitters: Uncertain significance (4). Last evaluated 2024-10-08.

Conditions:
Cardiovascular phenotype. Identifiers: MedGen CN230736.
Long QT syndrome (LQTS). Identifiers: MedGen C0023976, MeSH D008133, MONDO:0002442. Disease mechanism: loss of function. Inheritance: Various modes of inheritance.
Timothy syndrome (TS). Also called: LONG QT SYNDROME WITH SYNDACTYLY. Identifiers: Orphanet 65283, MedGen C1832916, MeSH C536962, MONDO:0010979, OMIM 601005.
Long QT syndrome 8. Identifiers: MedGen CN260585, MONDO:0032756, OMIM 618447.
Brugada syndrome 3 (BRGDA3). Identifiers: Orphanet 130, MedGen C2678478, MONDO:0012742, OMIM 611875.

Allele frequency attached by ClinVar (database versions not stated): gnomAD exomes below 0.00001; TOPMed below 0.00001.
gnomAD v4.1: 4 of 1,600,802 alleles (0.00025%); highest among the groups gnomAD compares: Non-Finnish European, 0.00034%; no homozygotes.

Submissions (4):

Blueprint Genetics
Classification: Uncertain significance. Last evaluated: 2024-10-08. Review status: criteria provided, single submitter. Criteria: ACMG Guidelines, 2015. Collection method: clinical testing. Allele origin: germline.

Labcorp Genetics (formerly Invitae), Labcorp
Classification: Uncertain significance for Long QT syndrome. Last evaluated: 2024-08-20. Review status: criteria provided, single submitter. Criteria: Invitae Variant Classification Sherloc (09022015). Collection method: clinical testing. Allele origin: germline.
Comment: This sequence change replaces asparagine, which is neutral and polar, with histidine, which is basic and polar, at codon 5 of the CACNA1C protein (p.Asn5His). This variant is not present in population databases (gnomAD no frequency). This variant has not been reported in the literature in individuals affected with CACNA1C-related conditions. ClinVar contains an entry for this variant (Variation ID: 1439077). Invitae Evidence Modeling of protein sequence and biophysical properties (such as structural, functional, and spatial information, amino acid conservation, physicochemical variation, residue mobility, and thermodynamic stability) indicates that this missense variant is not expected to disrupt CACNA1C protein function with a negative predictive value of 95%. In summary, the available evidence is currently insufficient to determine the role of this variant in disease. Therefore, it has been classified as a Variant of Uncertain Significance.

Ambry Genetics
Classification: Uncertain significance for Cardiovascular phenotype. Last evaluated: 2023-12-07. Review status: criteria provided, single submitter. Criteria: Ambry Variant Classification Scheme 2023. Collection method: clinical testing. Allele origin: germline.
Comment: The p.N5H variant (also known as c.13A>C), located in coding exon 1 of the CACNA1C gene, results from an A to C substitution at nucleotide position 13. The asparagine at codon 5 is replaced by histidine, an amino acid with similar properties. This amino acid position is highly conserved in available vertebrate species. In addition, the in silico prediction for this alteration is inconclusive. Since supporting evidence is limited at this time, the clinical significance of this alteration remains unclear.

Fulgent Genetics
Classification: Uncertain significance for Timothy syndrome; Brugada syndrome 3; Long QT syndrome 8. Last evaluated: 2021-08-02. Review status: criteria provided, single submitter. Criteria: ACMG Guidelines, 2015. Collection method: clinical testing. Allele origin: unknown.